The following is an entry in ClinVar:

NM_000077.5(CDKN2A):c.458-46T>C

Gene: CDKN2A (cyclin dependent kinase inhibitor 2A; minus strand). Cytogenetic location: 9p21.3.
Variant type: single nucleotide variant.
Coding change: c.458-46T>C on transcript NM_000077.5 (MANE Select); 46 bases into the intron before coding-DNA position 458, T replaced by C.
Molecular consequence: intron variant.
Genome position (GRCh38, 1-based): chr9:21,968,288, A>G on the plus strand (T>C on the coding strand, the complement: CDKN2A is on the minus strand). VCF-style: chr9-21968288-A-G. GRCh37 (hg19) VCF-style: chr9-21968287-A-G.
Other names: c.305-46T>C (NM_001363763.2); c.*102-46T>C (NM_058195.4); c.*151-46T>C (NM_001195132.2); c.*381-46T>C (NM_058197.5).
Identifiers: ClinVar variation 4294119 (VCV004294119.1).

ClinVar aggregate classification (germline): Benign (1 of 4 stars; one submission).

Conditions:
Melanoma-pancreatic cancer syndrome. Identifiers: Orphanet 404560, MedGen C1838547, MONDO:0011713, OMIM 606719. Disease mechanism: loss of function.

Submission:

Myriad Genetics, Inc.
Classification: Benign for Melanoma-pancreatic cancer syndrome. Last evaluated: 2025-08-18. Review status: criteria provided, single submitter. Criteria: Myriad Autosomal Dominant, Autosomal Recessive and X-Linked Classification Criteria (2023). Collection method: clinical testing. Allele origin: unknown.
Comment: This variant is considered benign. This variant is intronic and is not expected to impact mRNA splicing.